The following is an entry in ClinVar:

ClinVar aggregate classification (germline): Uncertain significance (1 of 4 stars; one submission).

Allele frequency attached by ClinVar (database versions not stated): gnomAD exomes below 0.00001; gnomAD 0.00001.
gnomAD v4.1: 5 of 1,605,218 alleles (0.00031%); highest among the groups gnomAD compares: Admixed American, 0.0017%; no homozygotes.

Submission:

Labcorp Genetics (formerly Invitae), Labcorp
Classification: Uncertain significance. Last evaluated: 2023-08-10. Review status: criteria provided, single submitter. Criteria: Invitae Variant Classification Sherloc (09022015). Collection method: clinical testing. Allele origin: germline.
Comment: This sequence change replaces proline, which is neutral and non-polar, with leucine, which is neutral and non-polar, at codon 297 of the NAA15 protein (p.Pro297Leu). In summary, the available evidence is currently insufficient to determine the role of this variant in disease. Therefore, it has been classified as a Variant of Uncertain Significance. An algorithm developed to predict the effect of missense changes on protein structure and function (PolyPhen-2) suggests that this variant is likely to be disruptive. This variant has not been reported in the literature in individuals affected with NAA15-related conditions. This variant is not present in population databases (gnomAD no frequency).

NM_057175.5(NAA15):c.890C>T (p.Pro297Leu)

Gene: NAA15 (N-alpha-acetyltransferase 15, NatA auxiliary subunit; plus strand). Cytogenetic location: 4q31.1.
Variant type: single nucleotide variant.
Coding change: c.890C>T on transcript NM_057175.5 (MANE Select); coding-DNA position 890, C replaced by T.
Protein change: p.Pro297Leu; replaces proline 297 with leucine.
Molecular consequence: missense variant.
Genome position (GRCh38, 1-based): chr4:139,351,269, C>T. VCF-style: chr4-139351269-C-T. GRCh37 (hg19) VCF-style: chr4-140272423-C-T.
Other names: c.890C>T, p.Pro297Leu (NM_001410842.1, NM_025085.2); short protein forms P297L.
Identifiers: ClinVar variation 2846313 (VCV002846313.3), dbSNP rs1747769796, ClinGen allele CA358261346.